The following is an entry in ClinVar:

NM_004329.3(BMPR1A):c.531-13G>A

Gene: BMPR1A (bone morphogenetic protein receptor type 1A; plus strand). Cytogenetic location: 10q23.2.
Variant type: single nucleotide variant.
Coding change: c.531-13G>A on transcript NM_004329.3 (MANE Select); 13 bases into the intron before coding-DNA position 531, G replaced by A.
Molecular consequence: intron variant.
Genome position (GRCh38, 1-based): chr10:86,912,227, G>A. VCF-style: chr10-86912227-G-A. GRCh37 (hg19) VCF-style: chr10-88671984-G-A.
Identifiers: ClinVar variation 491005 (VCV000491005.12), dbSNP rs1373055592, ClinGen allele CA658683569.
Genomic context (GRCh38, chr10:86,912,227, plus strand): 5'-GAACCTCAAGGTTTTTCTTAGGGTTTTATAGTTTTTCATTTTTAATGTAGATTGTTTTCT[G>A]CTTTTTTAAAAGACATTATTGCAAGAGCATCTCAAGCAGACGTCGTTACAATCGTGATTT-3'

ClinVar aggregate classification (germline): Likely benign. Review status: criteria provided, multiple submitters, no conflicts (2 of 4 stars). 3 submissions from 3 submitters: Likely benign (3). Last evaluated 2025-10-14.

Conditions:
Juvenile polyposis syndrome (JPS). Identifiers: Orphanet 2929, MedGen C0345893, MONDO:0017380, OMIM 174900.
Hereditary cancer-predisposing syndrome. Also called: Tumor predisposition; Neoplastic Syndromes, Hereditary; Hereditary Cancer Syndrome; Hereditary neoplastic syndrome. Identifiers: Orphanet 140162, MedGen C0027672, MeSH D009386, MONDO:0015356.

Allele frequency attached by ClinVar (database versions not stated): gnomAD exomes below 0.00001; TOPMed below 0.00001; gnomAD 0.00001.
gnomAD v4.1: 2 of 1,612,266 alleles (0.00012%); highest among the groups gnomAD compares: Non-Finnish European, 0.00017%; no homozygotes.

Submissions (3):

Labcorp Genetics (formerly Invitae), Labcorp
Classification: Likely benign for Juvenile polyposis syndrome. Last evaluated: 2025-10-14. Review status: criteria provided, single submitter. Criteria: Invitae Variant Classification Sherloc (09022015). Collection method: clinical testing. Allele origin: germline.

Myriad Genetics, Inc.
Classification: Likely benign for Juvenile polyposis syndrome. Last evaluated: 2024-08-01. Review status: criteria provided, single submitter. Criteria: Myriad Autosomal Dominant, Autosomal Recessive and X-Linked Classification Criteria (2023). Collection method: clinical testing. Allele origin: unknown.
Comment: This variant is considered likely benign. This variant is intronic and is not expected to impact mRNA splicing.

Color Diagnostics, LLC DBA Color Health
Classification: Likely benign for Hereditary cancer-predisposing syndrome. Last evaluated: 2017-04-24. Review status: criteria provided, single submitter. Criteria: ACMG Guidelines, 2015. Collection method: clinical testing. Allele origin: germline.